The following is an entry in ClinVar:

NM_000535.7(PMS2):c.1727C>T (p.Thr576Ile)

Gene: PMS2 (PMS1 homolog 2, mismatch repair system component; minus strand). Cytogenetic location: 7p22.1.
Variant type: single nucleotide variant.
Coding change: c.1727C>T on transcript NM_000535.7 (MANE Select); coding-DNA position 1727, C replaced by T.
Protein change: p.Thr576Ile; replaces threonine 576 with isoleucine.
Molecular consequence: missense variant. On other transcripts: non-coding transcript variant (1).
Genome position (GRCh38, 1-based): chr7:5,987,038, G>A on the plus strand (C>T on the coding strand, the complement: PMS2 is on the minus strand). VCF-style: chr7-5987038-G-A. GRCh37 (hg19) VCF-style: chr7-6026669-G-A.
Other names: c.1322C>T, p.Thr441Ile (NM_001322003.2, NM_001322004.2, NM_001322005.2 and 1 more transcripts); c.1571C>T, p.Thr524Ile (NM_001322006.2); c.1409C>T, p.Thr470Ile (NM_001322007.2, NM_001322008.2); c.1166C>T, p.Thr389Ile (NM_001322010.2); c.794C>T, p.Thr265Ile (NM_001322011.2, NM_001322012.2); c.1154C>T, p.Thr385Ile (NM_001322013.2); c.1727C>T, p.Thr576Ile (NM_001322014.2); c.1418C>T, p.Thr473Ile (NM_001322015.2); short protein forms T576I, T470I, T524I, T265I, T441I, T473I, T389I, T385I.
Identifiers: ClinVar variation 484250 (VCV000484250.19), dbSNP rs1554297301, ClinGen allele CA366740149.

ClinVar aggregate classification (germline): Uncertain significance. Review status: criteria provided, multiple submitters, no conflicts (2 of 4 stars). 4 submissions from 4 submitters: Uncertain significance (4). Last evaluated 2024-08-13.

Conditions:
Lynch syndrome. Identifiers: Orphanet 144, MedGen C4552100, MONDO:0005835. Disease mechanism: loss of function.
Hereditary nonpolyposis colorectal neoplasms. Identifiers: MedGen C0009405, MeSH D003123.
Hereditary cancer-predisposing syndrome. Also called: Neoplastic Syndromes, Hereditary; Tumor predisposition; Hereditary Cancer Syndrome; Hereditary neoplastic syndrome. Identifiers: Orphanet 140162, MedGen C0027672, MeSH D009386, MONDO:0015356.

Allele frequency attached by ClinVar (database versions not stated): gnomAD exomes below 0.00001.
gnomAD v4.1: 2 of 1,614,150 alleles (0.00012%); highest among the groups gnomAD compares: African/African-American, 0.0013%; no homozygotes.

Submissions (4):

Labcorp Genetics (formerly Invitae), Labcorp
Classification: Uncertain significance for Hereditary nonpolyposis colorectal neoplasms. Last evaluated: 2024-08-13. Review status: criteria provided, single submitter. Criteria: Invitae Variant Classification Sherloc (09022015). Collection method: clinical testing. Allele origin: germline.
Comment: This sequence change replaces threonine, which is neutral and polar, with isoleucine, which is neutral and non-polar, at codon 576 of the PMS2 protein (p.Thr576Ile). This variant is not present in population databases (gnomAD no frequency). This missense change has been observed in individual(s) with ovarian cancer (PMID: 31992580). ClinVar contains an entry for this variant (Variation ID: 484250). Invitae Evidence Modeling of protein sequence and biophysical properties (such as structural, functional, and spatial information, amino acid conservation, physicochemical variation, residue mobility, and thermodynamic stability) indicates that this missense variant is not expected to disrupt PMS2 protein function with a negative predictive value of 80%. In summary, the available evidence is currently insufficient to determine the role of this variant in disease. Therefore, it has been classified as a Variant of Uncertain Significance.

All of Us Research Program, National Institutes of Health
Classification: Uncertain significance for Lynch syndrome. Last evaluated: 2023-12-18. Review status: criteria provided, single submitter. Criteria: ACMG Guidelines, 2015. Collection method: clinical testing. Allele origin: germline. Inheritance: Autosomal dominant inheritance. Observed: 2 variant alleles, 2 heterozygotes.
Comment: This missense variant replaces threonine with isoleucine at codon 576 of the PMS2 protein. Computational prediction suggests that this variant may not impact protein structure and function (internally defined REVEL score threshold <= 0.5, PMID: 27666373). To our knowledge, functional studies have not been reported for this variant. This variant has not been reported in individuals affected with PMS2-related disorders in the literature. This variant has not been identified in the general population by the Genome Aggregation Database (gnomAD). The available evidence is insufficient to determine the role of this variant in disease conclusively. Therefore, this variant is classified as a Variant of Uncertain Significance.

This study involves interpretation of variants in research participants for the purpose of population health screening. Participant phenotype was not available at the time of variant classification. Additional details can be found in publication PMID: 35346344, PMCID: PMC8962531

Ambry Genetics
Classification: Uncertain significance for Hereditary cancer-predisposing syndrome. Last evaluated: 2023-07-20. Review status: criteria provided, single submitter. Criteria: Ambry Variant Classification Scheme 2023. Collection method: clinical testing. Allele origin: germline.
Comment: The p.T576I variant (also known as c.1727C>T), located in coding exon 11 of the PMS2 gene, results from a C to T substitution at nucleotide position 1727. The threonine at codon 576 is replaced by isoleucine, an amino acid with similar properties. This amino acid position is poorly conserved in available vertebrate species. In addition, this alteration is predicted to be tolerated by in silico analysis. Since supporting evidence is limited at this time, the clinical significance of this alteration remains unclear.

Color Diagnostics, LLC DBA Color Health
Classification: Uncertain significance for Hereditary cancer-predisposing syndrome. Last evaluated: 2023-04-26. Review status: criteria provided, single submitter. Criteria: ACMG Guidelines, 2015. Collection method: clinical testing. Allele origin: germline.
Comment: This missense variant replaces threonine with isoleucine at codon 576 of the PMS2 protein. Computational prediction suggests that this variant may not impact protein structure and function (internally defined REVEL score threshold <= 0.5, PMID: 27666373). To our knowledge, functional studies have not been reported for this variant. This variant has not been reported in individuals affected with PMS2-related disorders in the literature. This variant has not been identified in the general population by the Genome Aggregation Database (gnomAD). The available evidence is insufficient to determine the role of this variant in disease conclusively. Therefore, this variant is classified as a Variant of Uncertain Significance.

Literature cited by the submitters: PubMed 31992580 (cited by Labcorp Genetics (formerly Invitae), Labcorp).